The following is an entry in ClinVar:

NM_001378452.1(ITPR1):c.273A>C (p.Lys91Asn)

Gene: ITPR1 (inositol 1,4,5-trisphosphate receptor type 1; plus strand). Cytogenetic location: 3p26.1.
Variant type: single nucleotide variant.
Coding change: c.273A>C on transcript NM_001378452.1 (MANE Select); coding-DNA position 273, A replaced by C.
Protein change: p.Lys91Asn; replaces lysine 91 with asparagine.
Molecular consequence: missense variant.
Genome position (GRCh38, 1-based): chr3:4,627,872, A>C. VCF-style: chr3-4627872-A-C. GRCh37 (hg19) VCF-style: chr3-4669556-A-C.
Other names: c.273A>C, p.Lys91Asn (NM_001099952.4, NM_001168272.2, NM_002222.7); short protein forms K91N.
Identifiers: ClinVar variation 3772112 (VCV003772112.13).

ClinVar aggregate classification (germline): Uncertain significance (1 of 4 stars; one submission).

Submission:

CeGaT Center for Human Genetics Tuebingen
Classification: Uncertain significance. Last evaluated: 2024-12-01. Review status: criteria provided, single submitter. Criteria: CeGaT Center For Human Genetics Tuebingen Variant Classification Criteria Version 2. Collection method: clinical testing. Allele origin: germline. Affected: yes. Observed: 1 variant allele.
Comment: ITPR1: PM2, PP3